The following is an entry in ClinVar:

NM_004519.4(KCNQ3):c.*3591T>C

Gene: KCNQ3 (potassium voltage-gated channel subfamily Q member 3; minus strand). Cytogenetic location: 8q24.22.
Variant type: single nucleotide variant.
Coding change: c.*3591T>C on transcript NM_004519.4 (MANE Select); 3591 bases downstream of the stop codon, T replaced by C.
Molecular consequence: 3 prime UTR variant.
Genome position (GRCh38, 1-based): chr8:132,125,671, A>G on the plus strand (T>C on the coding strand, the complement: KCNQ3 is on the minus strand). VCF-style: chr8-132125671-A-G. GRCh37 (hg19) VCF-style: chr8-133137918-A-G.
Other names: c.*3591T>C (NM_001204824.2).
Identifiers: ClinVar variation 361824 (VCV000361824.30), dbSNP rs778136645, ClinGen allele CA10630199.
Genomic context (GRCh38, chr8:132,125,671, plus strand): 5'-CAAATTATGAGTAGGTCCTATTAGATTAGGTTTTTCTACAGGAAATTATTCTTTCAAACT[A>G]CAGTGTCTAGGAAGTACCTTGCACAAAATAGACACAGGATGCATAATTGTTGATTAATTA-3'

ClinVar aggregate classification (germline): Conflicting classifications of pathogenicity. Review status: criteria provided, conflicting classifications (1 of 4 stars). 2 submissions from 2 submitters: Uncertain significance (1); Likely benign (1). Last evaluated 2023-06-01.

Conditions:
Seizures, benign familial neonatal, 2. Also called: CONVULSIONS, BENIGN FAMILIAL NEONATAL, 2; Benign Neonatal Epilepsy 2; Seizures, benign neonatal, 2; KCNQ3-Related Benign Familial Neonatal Epilepsy; KCNQ3-Related Self-Limited Familial Neonatal Epilepsy (SLFNE). Identifiers: Orphanet 1949, MedGen C1852581, MONDO:0007366, OMIM 121201.

Allele frequency attached by ClinVar (database versions not stated): TOPMed 0.00053; gnomAD 0.00122 and 0.00130.

Submissions (2):

CeGaT Center for Human Genetics Tuebingen
Classification: Likely benign. Last evaluated: 2023-06-01. Review status: criteria provided, single submitter. Criteria: CeGaT Center For Human Genetics Tuebingen Variant Classification Criteria Version 2. Collection method: clinical testing. Allele origin: germline. Affected: yes. Observed: 6 variant alleles.
Comment: KCNQ3: BS1

Illumina Laboratory Services, Illumina
Classification: Uncertain significance for Seizures, benign familial neonatal, 2. Last evaluated: 2018-01-13. Review status: criteria provided, single submitter. Criteria: ICSL Variant Classification Criteria 13 December 2019. Collection method: clinical testing. Allele origin: germline.